The following is an entry in ClinVar:

ClinVar aggregate classification (germline): Conflicting classifications of pathogenicity. Review status: criteria provided, conflicting classifications (1 of 4 stars). 5 submissions from 5 submitters: Uncertain significance (2); Benign (1); Likely benign (1). 1 of the submissions does not count toward it. Last evaluated 2025-12-18.

Conditions:
Diamond-Blackfan anemia. Also called: Blackfan Diamond syndrome; Aregenerative anemia chronic congenital; Red cell aplasia, pure hereditary; Congenital hypoplastic anemia; Aase syndrome. Identifiers: Orphanet 124, MedGen C1260899, MeSH D029503, MONDO:0015253, HP:0004810.
Diamond-Blackfan anemia 6 (DBA6). Also called: RPL5-Related Diamond-Blackfan Anemia. Identifiers: Orphanet 124, MedGen C2931850, MONDO:0012937, OMIM 612561.

Allele frequency attached by ClinVar (database versions not stated): TOPMed 0.00009; gnomAD exomes 0.00018 and 0.00010; ExAC 0.00017; 1000 Genomes Project 0.00020; gnomAD 0.00004 and 0.00005; 1000 Genomes Project 30x 0.00031.
gnomAD v4.1: 67 of 1,614,110 alleles (0.0042%); highest among the groups gnomAD compares: Admixed American, 0.1%; no homozygotes.

Submissions (5):

Labcorp Genetics (formerly Invitae), Labcorp
Classification: Likely benign for Diamond-Blackfan anemia. Last evaluated: 2025-12-18. Review status: criteria provided, single submitter. Criteria: Invitae Variant Classification Sherloc (09022015). Collection method: clinical testing. Allele origin: germline.

Revvity Omics, Revvity
Classification: Uncertain significance for Diamond-Blackfan anemia 6. Last evaluated: 2025-01-03. Review status: criteria provided, single submitter. Criteria: ACMG Guidelines, 2015. Collection method: clinical testing. Allele origin: germline.

Baylor Genetics
Classification: Uncertain significance for Diamond-Blackfan anemia 6. Last evaluated: 2019-09-12. Review status: criteria provided, single submitter. Criteria: ACMG Guidelines, 2015. Collection method: clinical testing. Allele origin: maternal. Affected: yes. Study: CSER-TexasKidsCanSeq.
Comment: This variant was determined to be of uncertain significance according to ACMG Guidelines, 2015 [PMID:25741868].

Illumina Laboratory Services, Illumina
Classification: Benign for Diamond-Blackfan anemia 6. Last evaluated: 2018-01-13. Review status: criteria provided, single submitter. Criteria: ICSL Variant Classification Criteria 13 December 2019. Collection method: clinical testing. Allele origin: germline.
Comment: This variant was observed in the ICSL laboratory as part of a predisposition screen in an ostensibly healthy population. It had not been previously curated by ICSL or reported in the Human Gene Mutation Database (HGMD: prior to June 1st, 2018), and was therefore a candidate for classification through an automated scoring system. Utilizing variant allele frequency, disease prevalence and penetrance estimates, and inheritance mode, an automated score was calculated to assess if this variant is too frequent to cause the disease. Based on the score and internal cut-off values, a variant classified as benign is not then subjected to further curation. The score for this variant resulted in a classification of benign for this disease.

Genetic Services Laboratory, University of Chicago
Classification: Likely benign. Last evaluated: 2022-11-17. Review status: no assertion criteria provided. Collection method: clinical testing. Allele origin: germline. Affected: no. Not counted in ClinVar's aggregate classification.

NM_000969.5(RPL5):c.403A>G (p.Ile135Val)

Genes: DIPK1A (divergent protein kinase domain 1A; minus strand), RPL5 (ribosomal protein L5; plus strand). Cytogenetic location: 1p22.1.
Variant type: single nucleotide variant.
Coding change: c.403A>G on transcript NM_000969.5 (MANE Select); coding-DNA position 403, A replaced by G.
Protein change: p.Ile135Val; replaces isoleucine 135 with valine.
Molecular consequence: missense variant. On other transcripts: non-coding transcript variant (1), intron variant (1).
Genome position (GRCh38, 1-based): chr1:92,836,268, A>G. VCF-style: chr1-92836268-A-G. GRCh37 (hg19) VCF-style: chr1-93301825-A-G.
Other names: c.475-3234T>C (NM_001252273.2); short protein forms I135V.
Identifiers: ClinVar variation 298211 (VCV000298211.15), dbSNP rs200075817, ClinGen allele CA952458.
Genomic context (GRCh38, chr1:92,836,268, plus strand): 5'-ATGGACAAGATCTATGAAGGCCAAGTGGAGGTGACTGGTGATGAATACAATGTGGAAAGC[A>G]TTGATGGTCAGCCAGGTGCCTTCACCTGCTATTTGGATGCAGGCCTTGCCAGAACTACCA-3'
Protein context (NP_000960.2, residues 125-145): VTGDEYNVES[Ile135Val]DGQPGAFTCY